The following is an entry in ClinVar:

NM_001170629.2(CHD8):c.145A>G (p.Met49Val)

Gene: CHD8 (chromodomain helicase DNA binding protein 8; minus strand). Cytogenetic location: 14q11.2.
Variant type: single nucleotide variant.
Coding change: c.145A>G on transcript NM_001170629.2 (MANE Select); coding-DNA position 145, A replaced by G.
Protein change: p.Met49Val; replaces methionine 49 with valine.
Molecular consequence: missense variant. On other transcripts: intron variant (1).
Genome position (GRCh38, 1-based): chr14:21,431,499, T>C on the plus strand (A>G on the coding strand, the complement: CHD8 is on the minus strand). VCF-style: chr14-21431499-T-C. GRCh37 (hg19) VCF-style: chr14-21899658-T-C.
Other names: c.6+312A>G (NM_020920.4); short protein forms M49V.
Identifiers: ClinVar variation 588314 (VCV000588314.59), dbSNP rs181830482, ClinGen allele CA7091982.

ClinVar aggregate classification (germline): Benign/Likely benign. Review status: criteria provided, multiple submitters, no conflicts (2 of 4 stars). 7 submissions from 7 submitters: Benign (4); Likely benign (2). 1 of the submissions does not count toward it. Last evaluated 2026-08-01.

Conditions:
Inborn genetic diseases. Identifiers: MedGen C0950123, MeSH D030342.
CHD8-related disorder. Also called: CHD8-related disorders; CHD8-related condition.

Allele frequency attached by ClinVar (database versions not stated): gnomAD exomes 0.00077; ExAC 0.00124; 1000 Genomes Project 30x 0.00219; 1000 Genomes Project 0.00240; gnomAD 0.00276 and 0.00300; ESP Exome Variant Server 0.00307; TOPMed 0.00324.
gnomAD v4.1: 854 of 1,537,224 alleles (0.056%); highest among the groups gnomAD compares: African/African-American, 0.99%; 7 homozygotes.

Submissions (7):

CeGaT Center for Human Genetics Tuebingen
Classification: Likely benign. Last evaluated: 2026-08-01. Review status: criteria provided, single submitter. Criteria: CeGaT Center For Human Genetics Tuebingen Variant Classification Criteria Version 2. Collection method: clinical testing. Allele origin: germline. Affected: yes. Observed: 4 variant alleles.
Comment: CHD8: BS1

Labcorp Genetics (formerly Invitae), Labcorp
Classification: Benign. Last evaluated: 2026-01-05. Review status: criteria provided, single submitter. Criteria: Invitae Variant Classification Sherloc (09022015). Collection method: clinical testing. Allele origin: germline.

Blueprint Genetics
Classification: Likely benign. Last evaluated: 2024-09-26. Review status: criteria provided, single submitter. Criteria: ACMG Guidelines, 2015. Collection method: clinical testing. Allele origin: germline.

GeneDx
Classification: Benign. Last evaluated: 2019-01-28. Review status: criteria provided, single submitter. Criteria: GeneDx Variant Classification Process June 2021. Collection method: clinical testing. Allele origin: germline. Affected: yes.

Ambry Genetics
Classification: Benign for Inborn genetic diseases. Last evaluated: 2016-10-04. Review status: criteria provided, single submitter. Criteria: Ambry Variant Classification Scheme 2023. Collection method: clinical testing. Allele origin: germline.

Breakthrough Genomics
Classification: Benign. Review status: criteria provided, single submitter. Criteria: ACMG Guidelines, 2015. Collection method: not provided. Allele origin: germline. Inheritance: Autosomal dominant inheritance. Affected: yes.

PreventionGenetics, part of Exact Sciences
Classification: Benign for CHD8-related condition. Last evaluated: 2024-07-10. Review status: no assertion criteria provided. Collection method: clinical testing. Allele origin: germline. Not counted in ClinVar's aggregate classification.
Comment: This variant is classified as benign based on ACMG/AMP sequence variant interpretation guidelines (Richards et al. 2015 PMID: 25741868, with internal and published modifications).